The following is an entry in ClinVar:

NM_001009944.3(PKD1):c.3161+5G>A

Gene: PKD1 (polycystin 1, transient receptor potential channel interacting; minus strand). Cytogenetic location: 16p13.3.
Variant type: single nucleotide variant.
Coding change: c.3161+5G>A on transcript NM_001009944.3 (MANE Select); 5 bases into the intron after coding-DNA position 3161, G replaced by A.
Molecular consequence: intron variant.
Genome position (GRCh38, 1-based): chr16:2,112,783, C>T on the plus strand (G>A on the coding strand, the complement: PKD1 is on the minus strand). VCF-style: chr16-2112783-C-T. GRCh37 (hg19) VCF-style: chr16-2162784-C-T.
Other names: c.3161+5G>A (NM_000296.4).
Identifiers: ClinVar variation 1064606 (VCV001064606.4), dbSNP rs2092552533, ClinGen allele CA2499223386.
Genomic context (GRCh38, chr16:2,112,783, plus strand): 5'-CGGCTGAGGCTGGGGCTGGGACAAGAGCCTGGTGCCCACCCCAAACCGGCCCCCGAGTCA[C>T]TCACAGGAAGGCCACCTCCACGGCCGAGTCCACCAGCACGCCCGCCGTCAGTGCTAGCGT-3'

ClinVar aggregate classification (germline): Uncertain significance. Review status: criteria provided, multiple submitters, no conflicts (2 of 4 stars). 2 submissions from 2 submitters: Uncertain significance (2). Last evaluated 2020-01-09.

Conditions:
Polycystic kidney disease, adult type (PKD1). Also called: Polycystic Kidney Disease 1, Autosomal Dominant; Polycystic kidney disease 1; Polycystic kidney disease 1, severe; POLYCYSTIC KIDNEY DISEASE 1 WITH OR WITHOUT POLYCYSTIC LIVER DISEASE; POLYCYSTIC KIDNEY DISEASE, ADULT, TYPE I; Polycystic Kidney, Autosomal Dominant. Identifiers: MedGen C3149841, MONDO:0008263, OMIM 173900.

Submissions (2):

Department of Pathology and Laboratory Medicine, Sinai Health System
Classification: Uncertain significance for Polycystic kidney disease, adult type. Last evaluated: 2020-01-09. Review status: criteria provided, single submitter. Criteria: ACMG Guidelines, 2015. Collection method: clinical testing. Allele origin: germline. Affected: yes.

Kids Neuroscience Centre, Sydney Children's Hospitals Network
Classification: Uncertain significance for Polycystic kidney disease, adult type. Review status: criteria provided, single submitter. Criteria: Bournazos AM et al. (Genet Med 2021). Collection method: clinical testing. Allele origin: unknown. Inheritance: Autosomal dominant inheritance. Affected: yes. Observed: 1 heterozygote, 1 mosaic individual.
Comment: Unable to detect any appreciable levels of abnormal splicing arising from the PKD1 c.3161+5G>A heterozygous (mosaic) variant in blood RNA. Exon 13 is a canonical exon present in PKD1 isoforms across multiple tissues including kidney, renal epithelium and blood. Therefore, splicing studies performed in blood hold relevance to the manifesting phenotype. However, levels of mosaicism may vary between tissues.